The following is an entry in ClinVar:

NM_004380.3(CREBBP):c.5821C>T (p.Gln1941Ter)

Gene: CREBBP (CREB binding lysine acetyltransferase; minus strand). Cytogenetic location: 16p13.3.
Variant type: single nucleotide variant.
Coding change: c.5821C>T on transcript NM_004380.3 (MANE Select); coding-DNA position 5821, C replaced by T.
Protein change: p.Gln1941Ter; replaces glutamine 1941 with a stop codon.
Molecular consequence: nonsense.
Genome position (GRCh38, 1-based): chr16:3,729,226, G>A on the plus strand (C>T on the coding strand, the complement: CREBBP is on the minus strand). VCF-style: chr16-3729226-G-A. GRCh37 (hg19) VCF-style: chr16-3779227-G-A.
Other names: c.5707C>T, p.Gln1903Ter (NM_001079846.1); short protein forms Q1941*, Q1903*.
Identifiers: ClinVar variation 158388 (VCV000158388.8), dbSNP rs587783505, ClinGen allele CA271429.

ClinVar aggregate classification (germline): Pathogenic/Likely pathogenic. Review status: criteria provided, multiple submitters, no conflicts (2 of 4 stars). 2 submissions from 2 submitters: Pathogenic (1); Likely pathogenic (1). Last evaluated 2013-10-10.

Conditions:
Menke-Hennekam syndrome 1 (MKHK1). Identifiers: MedGen C5193034, MONDO:0020763, OMIM 618332.
Rubinstein-Taybi syndrome due to CREBBP mutations (RSTS1). Also called: RUBINSTEIN-TAYBI SYNDROME 1, INCOMPLETE; BROAD THUMB-HALLUX SYNDROME; BROAD THUMBS AND GREAT TOES, CHARACTERISTIC FACIES, AND IMPAIRED INTELLECTUAL DEVELOPMENT; RUBINSTEIN SYNDROME; Rubinstein-Taybi syndrome 1; CREBBP-Related Rubinstein-Taybi Syndrome. Identifiers: Orphanet 353277, Orphanet 783, MedGen C4551859, MONDO:0008393, OMIM 180849.

Submissions (2):

Genetic Services Laboratory, University of Chicago
Classification: Pathogenic for Rubinstein-Taybi syndrome. Last evaluated: 2013-10-10. Review status: criteria provided, single submitter. Criteria: ACMG Guidelines, 2007. Collection method: clinical testing. Allele origin: germline. Inheritance: Autosomal dominant inheritance. Affected: yes.

Juno Genomics, Hangzhou Juno Genomics, Inc
Classification: Likely pathogenic for Menke-Hennekam syndrome 1; Rubinstein-Taybi syndrome due to CREBBP mutations. Review status: criteria provided, single submitter. Criteria: ACMG Guidelines, 2015. Collection method: clinical testing. Allele origin: germline. Affected: yes.
Comment: Absent from controls (or at extremely low frequency if recessive) in Genome Aggregation Database, Exome Sequencing Project, 1000 Genomes Project, or Exome Aggregation Consortium.;Null variant in a gene where loss of function (LOF) is a known mechanism of disease.;The prevalence of the variant in affected individuals is significantly increased compared to the prevalence in controls.;Assumed de novo, but without confirmation of paternity and maternity.;Patient's phenotype or family history is highly specific for a disease with a single genetic etiology.